The following is an entry in ClinVar:

ClinVar aggregate classification (germline): Likely benign. Review status: criteria provided, single submitter (1 of 4 stars). 2 submissions from 2 submitters: Likely benign (1). 1 of the submissions does not count toward it. Last evaluated 2025-09-03.

Conditions:
ROBO2-related disorder. Also called: ROBO2-related condition.

Allele frequency attached by ClinVar (database versions not stated): ExAC 0.00003; gnomAD 0.00018; gnomAD exomes 0.00002.
gnomAD v4.1: 58 of 1,613,712 alleles (0.0036%); highest among the groups gnomAD compares: African/African-American, 0.064%; no homozygotes.

Submissions (2):

Labcorp Genetics (formerly Invitae), Labcorp
Classification: Likely benign. Last evaluated: 2025-09-03. Review status: criteria provided, single submitter. Criteria: Invitae Variant Classification Sherloc (09022015). Collection method: clinical testing. Allele origin: germline.

PreventionGenetics, part of Exact Sciences
Classification: Likely benign for ROBO2-related condition. Last evaluated: 2020-01-23. Review status: no assertion criteria provided. Collection method: clinical testing. Allele origin: germline. Not counted in ClinVar's aggregate classification.
Comment: This variant is classified as likely benign based on ACMG/AMP sequence variant interpretation guidelines (Richards et al. 2015 PMID: 25741868, with internal and published modifications).

NM_001395656.1(ROBO2):c.2385T>G (p.Thr795=)

Gene: ROBO2 (roundabout guidance receptor 2; plus strand). Cytogenetic location: 3p12.3.
Variant type: single nucleotide variant.
Coding change: c.2385T>G on transcript NM_001395656.1 (MANE Select); coding-DNA position 2385, T replaced by G.
Protein change: p.Thr795=; no amino-acid change (threonine 795 retained).
Molecular consequence: synonymous variant.
Genome position (GRCh38, 1-based): chr3:77,579,991, T>G. VCF-style: chr3-77579991-T-G. GRCh37 (hg19) VCF-style: chr3-77629142-T-G.
Other names: c.2421T>G, p.Thr807= (NM_001128929.3); c.2385T>G, p.Thr795= (NM_001290039.2, NM_001290040.2, NM_001378202.1); c.594T>G, p.Thr198= (NM_001290065.2); c.2433T>G, p.Thr811= (NM_001378190.1, NM_001378191.1, NM_001378195.1 and 4 more transcripts); c.2454T>G, p.Thr818= (NM_001378192.1, NM_001378194.1, NM_001378198.1 and 2 more transcripts); c.2373T>G, p.Thr791= (NM_001378193.1, NM_001378197.1, NM_002942.5); c.2442T>G, p.Thr814= (NM_001394212.1, NM_001394214.1, NM_001395657.1).
Identifiers: ClinVar variation 2721118 (VCV002721118.5), dbSNP rs202151263, ClinGen allele CA2497318.
Genomic context (GRCh38, chr3:77,579,991, plus strand): 5'-CTTTCCATTTCTGTAGATCTGGTGTCTAGGAAATGAAACGCGATTCCATATCAACAAAAC[T>G]GTGGATGCAGCCATTCGGTCCGTAATAATTGGTGGATTATTCCCAGGTATTCAATACCGG-3'
Protein context (NP_001382585.1, residues 785-805): GNETRFHINK[Thr795=]VDAAIRSVII